The following is an entry in ClinVar:

ClinVar aggregate classification (germline): Uncertain significance (1 of 4 stars; one submission).

Conditions:
Hereditary cancer-predisposing syndrome. Also called: Hereditary neoplastic syndrome; Tumor predisposition; Hereditary Cancer Syndrome; Neoplastic Syndromes, Hereditary. Identifiers: Orphanet 140162, MedGen C0027672, MeSH D009386, MONDO:0015356.

Submission:

Ambry Genetics
Classification: Uncertain significance for Hereditary cancer-predisposing syndrome. Last evaluated: 2023-06-26. Review status: criteria provided, single submitter. Criteria: Ambry Variant Classification Scheme 2023. Collection method: clinical testing. Allele origin: germline.
Comment: The p.E411K variant (also known as c.1231G>A), located in coding exon 9 of the APC gene, results from a G to A substitution at nucleotide position 1231. The glutamic acid at codon 411 is replaced by lysine, an amino acid with similar properties. This variant was observed in an individual with early onset-breast cancer amongst a cohort of 1781 non-Ashkenazi Jewish individuals undergoing BRCA1/2 gene testing based on a personal history of breast cancer (Tung N et al. Cancer, 2015 Jan;121:25-33). This amino acid position is highly conserved in available vertebrate species. In addition, in silico predictors for this gene do not accurately predict pathogenicity. Since supporting evidence is limited at this time, the clinical significance of this alteration remains unclear.

Literature cited by the submitters: PubMed 25186627.

NM_000038.6(APC):c.1231G>A (p.Glu411Lys)

Gene: APC (APC regulator of Wnt signaling pathway; plus strand). Cytogenetic location: 5q22.2.
Variant type: single nucleotide variant.
Coding change: c.1231G>A on transcript NM_000038.6 (MANE Select); coding-DNA position 1231, G replaced by A.
Protein change: p.Glu411Lys; replaces glutamic acid 411 with lysine.
Molecular consequence: missense variant. On other transcripts: non-coding transcript variant (2), intron variant (15).
Genome position (GRCh38, 1-based): chr5:112,819,263, G>A. VCF-style: chr5-112819263-G-A. GRCh37 (hg19) VCF-style: chr5-112154960-G-A.
Other names: c.1231G>A, p.Glu411Lys (NM_001354895.2, NM_001354896.2, NM_001127510.3 and 4 more transcripts); c.1054G>A, p.Glu352Lys (NM_001354901.2, NM_001354900.2, NM_001407453.1); c.1156G>A, p.Glu386Lys (NM_001354898.2, NM_001407451.1); c.1261G>A, p.Glu421Lys (NM_001354897.2, NM_001407446.1); c.1147G>A, p.Glu383Lys (NM_001354899.2, NM_001407452.1); c.382G>A, p.Glu128Lys (NM_001354906.2, NM_001407470.1); c.1177G>A, p.Glu393Lys (NM_001127511.3); c.85-6G>A (NM_001407472.1, NM_001407471.1); and 5 more; short protein forms E128K, E352K, E421K, E383K, E386K, E411K, E393K.
Identifiers: ClinVar variation 2586965 (VCV002586965.2), dbSNP rs2149782857, ClinGen allele CA16023995.